The following is an entry in ClinVar:

ClinVar aggregate classification (germline): Conflicting classifications of pathogenicity. Review status: criteria provided, conflicting classifications (1 of 4 stars). 5 submissions from 5 submitters: Pathogenic (1); Uncertain significance (4). Last evaluated 2024-12-13.

Conditions:
Glycogen storage disease IXa1. Also called: GLYCOGEN STORAGE DISEASE VIII; GSD VIII; Glycogen storage disease 8; LIVER GLYCOGENOSIS, X-LINKED, TYPE I. Identifiers: Orphanet 264580, MedGen C3694531, MONDO:0010598, OMIM 306000.

Allele frequency attached by ClinVar (database versions not stated): TOPMed 0.00001.

Submissions (5):

OLLIN Analises Genomicas, OLLIN
Classification: Uncertain significance for Glycogen storage disease IXa1. Last evaluated: 2024-12-13. Review status: criteria provided, single submitter. Criteria: ACMG Guidelines 2015 PMID 25741868. Collection method: clinical testing. Allele origin: germline. Affected: yes. Observed: 1 variant allele.
Comment: The missense variants (chrX:18906516 C>G and chrX:18906566 A>G, both located in exon 25 (of 33), detected in hemizygosity and therefore in cis, are not described in the gnomAD v4.1 non-UKB databases. In silico analysis predicts a deleterious effect on the protein function. According to the currently available evidence, the variants were classified as VUS (M912T: PM2_P, PP3_S; A929P: PM2_P, PP3_M).

Dasa
Classification: Uncertain significance. Last evaluated: 2024-06-04. Review status: criteria provided, single submitter. Criteria: DASA Assertion Criteria. Collection method: clinical testing. Allele origin: germline.
Comment: NM_000292.3(PHKA2):c.2735T>C (p.Met912Thr) is a missense variant that results in the substitution of methionine with threonine. This variant is rare in population databases. Computational prediction algorithms are consistent with a deleterious effect. The currently available literature and clinical evidence are not sufficient to establish a definitive association between this variant and the reported condition. Therefore, this variant is classified as a variant of uncertain significance.

Labcorp Genetics (formerly Invitae), Labcorp
Classification: Uncertain significance for Glycogen storage disease IXa1. Last evaluated: 2024-02-19. Review status: criteria provided, single submitter. Criteria: Invitae Variant Classification Sherloc (09022015). Collection method: clinical testing. Allele origin: germline.
Comment: This sequence change replaces methionine, which is neutral and non-polar, with threonine, which is neutral and polar, at codon 912 of the PHKA2 protein (p.Met912Thr). This variant is not present in population databases (gnomAD no frequency). This missense change has been observed in individual(s) with glycogen storage disease (PMID: 34093448). ClinVar contains an entry for this variant (Variation ID: 803727). Advanced modeling of protein sequence and biophysical properties (such as structural, functional, and spatial information, amino acid conservation, physicochemical variation, residue mobility, and thermodynamic stability) performed at Invitae indicates that this missense variant is expected to disrupt PHKA2 protein function with a positive predictive value of 80%. In summary, the available evidence is currently insufficient to determine the role of this variant in disease. Therefore, it has been classified as a Variant of Uncertain Significance.

Mendelics
Classification: Pathogenic for Glycogen storage disease IXa1. Last evaluated: 2021-08-30. Review status: criteria provided, single submitter. Criteria: Mendelics Assertion Criteria 2017. Collection method: clinical testing. Allele origin: unknown.
Comment: Pathogenic in haplotype with Met912Thr. Haplotype p.[Met912Thr; Ala929Pro]

Laboratorio de Genetica e Diagnostico Molecular, Hospital Israelita Albert Einstein
Classification: Uncertain significance for Glycogen storage disease IXa1. Last evaluated: 2021-05-31. Review status: criteria provided, single submitter. Criteria: ACMG Guidelines, 2015. Collection method: clinical testing. Allele origin: germline. Affected: yes.
Comment: ACMG classification criteria: PM2 moderate, PP3 supporting

Literature cited by the submitters: PubMed 34093448 (cited by Labcorp Genetics (formerly Invitae), Labcorp).

NM_000292.3(PHKA2):c.2735T>C (p.Met912Thr)

Gene: PHKA2 (phosphorylase kinase regulatory subunit alpha 2; minus strand). Cytogenetic location: Xp22.13.
Variant type: single nucleotide variant.
Coding change: c.2735T>C on transcript NM_000292.3 (MANE Select); coding-DNA position 2735, T replaced by C.
Protein change: p.Met912Thr; replaces methionine 912 with threonine.
Molecular consequence: missense variant.
Genome position (GRCh38, 1-based): chrX:18,906,566, A>G on the plus strand (T>C on the coding strand, the complement: PHKA2 is on the minus strand). VCF-style: chrX-18906566-A-G. GRCh37 (hg19) VCF-style: chrX-18924684-A-G.
Other names: short protein forms M912T.
Identifiers: ClinVar variation 803727 (VCV000803727.19), dbSNP rs1158193880, ClinGen allele CA412382394.